The following is an entry in ClinVar:

NM_004415.4(DSP):c.5932A>G (p.Met1978Val)

Gene: DSP (desmoplakin; plus strand). Cytogenetic location: 6p24.3.
Variant type: single nucleotide variant.
Coding change: c.5932A>G on transcript NM_004415.4 (MANE Select); coding-DNA position 5932, A replaced by G.
Protein change: p.Met1978Val; replaces methionine 1978 with valine.
Molecular consequence: missense variant.
Genome position (GRCh38, 1-based): chr6:7,583,194, A>G. VCF-style: chr6-7583194-A-G. GRCh37 (hg19) VCF-style: chr6-7583427-A-G.
Other names: c.5932A>G (LRG_423t1); c.4135A>G, p.Met1379Val (NM_001008844.3); c.4603A>G, p.Met1535Val (NM_001319034.2); short protein forms M1978V, M1379V, M1535V.
Identifiers: ClinVar variation 405251 (VCV000405251.17), dbSNP rs770077556, ClinGen allele CA046085.

ClinVar aggregate classification (germline): Conflicting classifications of pathogenicity. Review status: criteria provided, conflicting classifications (1 of 4 stars). 4 submissions from 4 submitters: Uncertain significance (2); Likely benign (2). Last evaluated 2025-10-16.

Conditions:
Cardiovascular phenotype. Identifiers: MedGen CN230736.
Arrhythmogenic cardiomyopathy with wooly hair and keratoderma. Also called: PALMOPLANTAR KERATODERMA WITH LEFT VENTRICULAR CARDIOMYOPATHY AND WOOLLY HAIR; Carvajal syndrome; Dilated cardiomyopathy with woolly hair and keratoderma; Arrhythmogenic cardiomyopathy with woolly hair and keratoderma. Identifiers: Orphanet 65282, MedGen C1854063, MONDO:0011581, OMIM 605676.
Arrhythmogenic right ventricular dysplasia 8 (ARVD8). Also called: Arrhythmogenic Right Ventricular Dysplasia/Cardiomyopathy 8; ARRHYTHMOGENIC RIGHT VENTRICULAR DYSPLASIA, FAMILIAL, 8; ARRHYTHMOGENIC RIGHT VENTRICULAR CARDIOMYOPATHY 8. Identifiers: MedGen C1843896, MONDO:0011831, OMIM 607450.
Cardiomyopathy (CMYO). Also called: Cardiomyopathies. Identifiers: Orphanet 167848, MedGen C0878544, MONDO:0004994, HP:0001638. Inheritance: Various modes of inheritance.

Allele frequency attached by ClinVar (database versions not stated): ExAC 0.00001; gnomAD exomes 0.00001 and 0.00002; TOPMed 0.00001; gnomAD 0.00002.

Submissions (4):

Labcorp Genetics (formerly Invitae), Labcorp
Classification: Likely benign for Arrhythmogenic cardiomyopathy with wooly hair and keratoderma; Arrhythmogenic right ventricular dysplasia 8. Last evaluated: 2025-10-16. Review status: criteria provided, single submitter. Criteria: Invitae Variant Classification Sherloc (09022015). Collection method: clinical testing. Allele origin: germline.

Ambry Genetics
Classification: Likely benign for Cardiovascular phenotype. Last evaluated: 2025-07-03. Review status: criteria provided, single submitter. Criteria: Ambry Variant Classification Scheme 2023. Collection method: clinical testing. Allele origin: germline.

All of Us Research Program, National Institutes of Health
Classification: Uncertain significance for Arrhythmogenic cardiomyopathy with wooly hair and keratoderma. Last evaluated: 2024-09-23. Review status: criteria provided, single submitter. Criteria: ACMG Guidelines, 2015. Collection method: clinical testing. Allele origin: germline. Inheritance: Autosomal dominant inheritance. Observed: 4 variant alleles, 4 heterozygotes.
Comment: This missense variant replaces methionine with valine at codon 1978 of the DSP protein. Computational prediction suggests that this variant may not impact protein structure and function (internally defined REVEL score threshold <= 0.5, PMID: 27666373). To our knowledge, functional studies have not been reported for this variant. This variant has not been reported in individuals affected with DSP-related disorders in the literature. This variant has been identified in 6/277156 chromosomes in the general population by the Genome Aggregation Database (gnomAD). The available evidence is insufficient to determine the role of this variant in disease conclusively. Therefore, this variant is classified as a Variant of Uncertain Significance.

This study involves interpretation of variants in research participants for the purpose of population health screening. Participant phenotype was not available at the time of variant classification. Additional details can be found in publication PMID: 35346344, PMCID: PMC8962531

Color Diagnostics, LLC DBA Color Health
Classification: Uncertain significance for Cardiomyopathy. Last evaluated: 2024-05-03. Review status: criteria provided, single submitter. Criteria: ACMG Guidelines, 2015. Collection method: clinical testing. Allele origin: germline.
Comment: This missense variant replaces methionine with valine at codon 1978 of the DSP protein. Computational prediction suggests that this variant may not impact protein structure and function (internally defined REVEL score threshold <= 0.5, PMID: 27666373). To our knowledge, functional studies have not been reported for this variant. This variant has not been reported in individuals affected with DSP-related disorders in the literature. This variant has been identified in 6/277156 chromosomes in the general population by the Genome Aggregation Database (gnomAD). The available evidence is insufficient to determine the role of this variant in disease conclusively. Therefore, this variant is classified as a Variant of Uncertain Significance.

Literature cited by the submitters: PubMed 31983221 (cited by Ambry Genetics).